The following is an entry in ClinVar:

ClinVar aggregate classification (germline): Uncertain significance (1 of 4 stars; one submission).

Allele frequency attached by ClinVar (database versions not stated): gnomAD 0.00001.
gnomAD v4.1: 1 of 1,613,906 alleles (0.000062%); highest among the groups gnomAD compares: African/African-American, 0.0013%; no homozygotes.

Submission:

Labcorp Genetics (formerly Invitae), Labcorp
Classification: Uncertain significance. Last evaluated: 2022-03-12. Review status: criteria provided, single submitter. Criteria: Invitae Variant Classification Sherloc (09022015). Collection method: clinical testing. Allele origin: germline.
Comment: Algorithms developed to predict the effect of sequence changes on RNA splicing suggest that this variant may disrupt the consensus splice site. Algorithms developed to predict the effect of missense changes on protein structure and function (SIFT, PolyPhen-2, Align-GVGD) all suggest that this variant is likely to be disruptive. This sequence change replaces tryptophan, which is neutral and slightly polar, with leucine, which is neutral and non-polar, at codon 719 of the MCM3AP protein (p.Trp719Leu). This variant is present in population databases (no rsID available, gnomAD 0.01%). This variant has not been reported in the literature in individuals affected with MCM3AP-related conditions. In summary, the available evidence is currently insufficient to determine the role of this variant in disease. Therefore, it has been classified as a Variant of Uncertain Significance.

NM_003906.5(MCM3AP):c.2156G>T (p.Trp719Leu)

Gene: MCM3AP (minichromosome maintenance complex component 3 associated protein; minus strand). Cytogenetic location: 21q22.3.
Variant type: single nucleotide variant.
Coding change: c.2156G>T on transcript NM_003906.5 (MANE Select); coding-DNA position 2156, G replaced by T.
Protein change: p.Trp719Leu; replaces tryptophan 719 with leucine.
Molecular consequence: missense variant.
Genome position (GRCh38, 1-based): chr21:46,273,428, C>A on the plus strand (G>T on the coding strand, the complement: MCM3AP is on the minus strand). VCF-style: chr21-46273428-C-A. GRCh37 (hg19) VCF-style: chr21-47693342-C-A.
Other names: short protein forms W719L.
Identifiers: ClinVar variation 2109942 (VCV002109942.4), dbSNP rs1419105080, ClinGen allele CA410525115.
Genomic context (GRCh38, chr21:46,273,428, plus strand): 5'-AGGTTGGAGGCAGCCAATACCTTCCGTATGCCACGCGTGCGGTTCCACACGAAGTCATAC[C>A]AATCCCGCAGGCTGCCCTCCTTCTGGTCCATGATCTGGGTCACCAGGTAGTCCATGGTCC-3'
Protein context (NP_003897.2, residues 709-729): MDQKEGSLRD[Trp719Leu]YDFVWNRTRG